The following is an entry in ClinVar:

NM_000051.4(ATM):c.8585-2A>G

Genes: ATM (ATM serine/threonine kinase; plus strand), C11orf65 (chromosome 11 open reading frame 65; minus strand). Cytogenetic location: 11q22.3.
Variant type: single nucleotide variant.
Coding change: c.8585-2A>G on transcript NM_000051.4 (MANE Select); the canonical splice acceptor site of the intron before coding-DNA position 8585, A replaced by G.
Molecular consequence: splice acceptor variant. On other transcripts: intron variant (2).
Genome position (GRCh38, 1-based): chr11:108,347,277, A>G. VCF-style: chr11-108347277-A-G. GRCh37 (hg19) VCF-style: chr11-108218004-A-G.
Other names: c.8585-2A>G (NM_001351834.2); c.641-38206T>C (NM_001330368.2); c.695-11985T>C (NM_001351110.2).
Identifiers: ClinVar variation 553292 (VCV000553292.6), dbSNP rs1060501700, ClinGen allele CA382520234.

ClinVar aggregate classification (germline): Pathogenic/Likely pathogenic. Review status: criteria provided, multiple submitters, no conflicts (2 of 4 stars). 4 submissions from 4 submitters: Pathogenic (2); Likely pathogenic (1). 1 of the submissions does not count toward it. Last evaluated 2025-09-29.

Conditions:
Hereditary cancer-predisposing syndrome. Also called: Hereditary Cancer Syndrome; Neoplastic Syndromes, Hereditary; Tumor predisposition; Hereditary neoplastic syndrome. Identifiers: Orphanet 140162, MedGen C0027672, MeSH D009386, MONDO:0015356.
Familial cancer of breast. Also called: BREAST CANCER, FAMILIAL; Hereditary breast cancer; hereditary breast carcinoma. Identifiers: Orphanet 227535, MedGen C0346153, MONDO:0016419, OMIM 114480. Disease mechanism: loss of function.
Ataxia-telangiectasia syndrome (AT). Also called: Cerebello-oculocutaneous telangiectasia; Immunodeficiency with ataxia telangiectasia; Ataxia-telangiectasia, complementation group E; Ataxia-telangiectasia, complementation group D; AT, COMPLEMENTATION GROUP C; ATAXIA-TELANGIECTASIA, COMPLEMENTATION GROUP A. Identifiers: Orphanet 100, MedGen C0004135, MONDO:0008840, OMIM 208900.

Submissions (4):

Labcorp Genetics (formerly Invitae), Labcorp
Classification: Pathogenic for Ataxia-telangiectasia syndrome. Last evaluated: 2025-09-29. Review status: criteria provided, single submitter. Criteria: Invitae Variant Classification Sherloc (09022015). Collection method: clinical testing. Allele origin: germline.
Comment: This sequence change affects an acceptor splice site in intron 58 of the ATM gene. RNA analysis indicates that disruption of this splice site induces altered splicing and likely results in a shortened protein product. This variant is not present in population databases (gnomAD no frequency). Disruption of this splice site has been observed in individuals with ataxia-telangiectasia (PMID: 21665257, 22006793, 23322442). This variant is also known as IVS60-2A>G. ClinVar contains an entry for this variant (Variation ID: 553292). Studies have shown that disruption of this splice site results in skipping of exon 59, but is expected to preserve the integrity of the reading-frame (PMID: 22006793). For these reasons, this variant has been classified as Pathogenic.

Myriad Genetics, Inc.
Classification: Pathogenic for Familial cancer of breast. Last evaluated: 2024-02-02. Review status: criteria provided, single submitter. Criteria: Myriad Autosomal Dominant, Autosomal Recessive and X-Linked Classification Criteria (2023). Collection method: clinical testing. Allele origin: unknown.
Comment: This variant is considered pathogenic. This variant occurs within a consensus splice junction and is predicted to result in abnormal mRNA splicing of either an out-of-frame exon or an in-frame exon necessary for protein stability and/or normal function. Functional studies indicate this variant impacts protein function [PMID: 22006793]. This variant has been reported in multiple individuals with clinical features of gene-specific disease [PMID: 22006793, 23322442, 21665257, 31741144].

Ambry Genetics
Classification: Likely pathogenic for Hereditary cancer-predisposing syndrome. Last evaluated: 2023-06-10. Review status: criteria provided, single submitter. Criteria: Ambry Variant Classification Scheme 2023. Collection method: clinical testing. Allele origin: germline.
Comment: The c.8585-2A>G intronic variant results from an A to G substitution two nucleotides upstream from coding exon 58 in the ATM gene. This variant is considered to be rare based on population cohorts in the Genome Aggregation Database (gnomAD). This nucleotide position is highly conserved in available vertebrate species. In silico splice site analysis predicts that this alteration will weaken the native splice acceptor site and may result in the creation or strengthening of a novel splice acceptor site. RNA studies have demonstrated that this alteration results in abnormal splicing in the set of samples tested (Ambry internal data). Alterations that disrupt the canonical splice site are expected to cause aberrant splicing, resulting in an abnormal protein or a transcript that is subject to nonsense-mediated mRNA decay. As such, this alteration is classified as likely pathogenic.

Counsyl
Classification: Likely pathogenic for Ataxia-telangiectasia syndrome. Last evaluated: 2017-08-23. Review status: no assertion criteria provided. Collection method: clinical testing. Allele origin: unknown. Not counted in ClinVar's aggregate classification.

Literature cited by the submitters: PubMed 21665257 (cited by Labcorp Genetics (formerly Invitae), Labcorp and Myriad Genetics, Inc.); PubMed 22006793 (cited by Labcorp Genetics (formerly Invitae), Labcorp and Myriad Genetics, Inc.); PubMed 23322442 (cited by Labcorp Genetics (formerly Invitae), Labcorp and Myriad Genetics, Inc.); PubMed 31741144 (cited by Myriad Genetics, Inc.).